The following is an entry in ClinVar:

ClinVar aggregate classification (germline): Uncertain significance (1 of 4 stars; one submission).

Submission:

GeneDx
Classification: Uncertain significance. Last evaluated: 2022-04-21. Review status: criteria provided, single submitter. Criteria: GeneDx Variant Classification Process June 2021. Collection method: clinical testing. Allele origin: germline. Affected: yes.
Comment: Not observed at significant frequency in large population cohorts (gnomAD); In silico analysis supports that this missense variant does not alter protein structure/function; Has not been previously published as pathogenic or benign to our knowledge

NM_001378418.1(TCF20):c.429C>G (p.His143Gln)

Gene: TCF20 (transcription factor 20; minus strand). Cytogenetic location: 22q13.2.
Variant type: single nucleotide variant.
Coding change: c.429C>G on transcript NM_001378418.1 (MANE Select); coding-DNA position 429, C replaced by G.
Protein change: p.His143Gln; replaces histidine 143 with glutamine.
Molecular consequence: missense variant.
Genome position (GRCh38, 1-based): chr22:42,214,877, G>C on the plus strand (C>G on the coding strand, the complement: TCF20 is on the minus strand). VCF-style: chr22-42214877-G-C. GRCh37 (hg19) VCF-style: chr22-42610883-G-C.
Other names: c.429C>G, p.His143Gln (NM_005650.4, NM_181492.3); short protein forms H143Q.
Identifiers: ClinVar variation 1711961 (VCV001711961.2), dbSNP rs1921538757, ClinGen allele CA411793025.